The following is an entry in ClinVar:

ClinVar aggregate classification (germline): Uncertain significance (1 of 4 stars; one submission).

Conditions:
Inborn genetic diseases. Identifiers: MedGen C0950123, MeSH D030342.

Submission:

Ambry Genetics
Classification: Uncertain significance for Inborn genetic diseases. Last evaluated: 2025-05-02. Review status: criteria provided, single submitter. Criteria: Ambry Variant Classification Scheme 2023. Collection method: clinical testing. Allele origin: germline.
Comment: The p.V332L variant (also known as c.994G>C), located in coding exon 11 of the RTEL1 gene, results from a G to C substitution at nucleotide position 994. The valine at codon 332 is replaced by leucine, an amino acid with highly similar properties. This amino acid position is conserved. In addition, this alteration is predicted to be tolerated by in silico analysis. Based on the available evidence, the clinical significance of this variant remains unclear.

NM_001283009.2(RTEL1):c.994G>C (p.Val332Leu)

Genes: RTEL1 (regulator of telomere elongation helicase 1; plus strand), RTEL1-TNFRSF6B (RTEL1-TNFRSF6B readthrough (NMD candidate); plus strand). Cytogenetic location: 20q13.33.
Variant type: single nucleotide variant.
Coding change: c.994G>C on transcript NM_001283009.2 (MANE Select); coding-DNA position 994, G replaced by C.
Protein change: p.Val332Leu; replaces valine 332 with leucine.
Molecular consequence: missense variant. On other transcripts: non-coding transcript variant (1).
Genome position (GRCh38, 1-based): chr20:63,678,303, G>C. VCF-style: chr20-63678303-G-C. GRCh37 (hg19) VCF-style: chr20-62309656-G-C.
Other names: c.325G>C, p.Val109Leu (NM_001283010.1); c.994G>C, p.Val332Leu (NM_016434.4); c.1066G>C, p.Val356Leu (NM_032957.5); short protein forms V109L, V332L, V356L.
Identifiers: ClinVar variation 3948363 (VCV003948363.1).